The following is an entry in ClinVar:

ClinVar aggregate classification (germline): Uncertain significance (1 of 4 stars; one submission).

Submission:

Ambry Genetics
Classification: Uncertain significance. Last evaluated: 2026-01-19. Review status: criteria provided, single submitter. Criteria: Ambry Variant Classification Scheme 2023. Collection method: clinical testing. Allele origin: germline.
Comment: The p.V955A variant (also known as c.2864T>C), located in coding exon 11 of the WNK2 gene, results from a T to C substitution at nucleotide position 2864. The valine at codon 955 is replaced by alanine, an amino acid with similar properties. This amino acid position is conserved. In addition, this alteration is predicted to be tolerated by in silico analysis. Based on the available evidence, the clinical significance of this variant remains unclear.

NM_006648.4(WNK2):c.2864T>C (p.Val955Ala)

Gene: WNK2 (WNK lysine deficient protein kinase 2; plus strand). Cytogenetic location: 9q22.31.
Variant type: single nucleotide variant.
Coding change: c.2864T>C on transcript NM_006648.4 (MANE Select); coding-DNA position 2864, T replaced by C.
Protein change: p.Val955Ala; replaces valine 955 with alanine.
Molecular consequence: missense variant.
Genome position (GRCh38, 1-based): chr9:93,259,412, T>C. VCF-style: chr9-93259412-T-C. GRCh37 (hg19) VCF-style: chr9-96021694-T-C.
Other names: c.2864T>C, p.Val955Ala (NM_001282394.3); short protein forms V955A.
Identifiers: ClinVar variation 4844864 (VCV004844864.1).